The following is an entry in ClinVar:

ClinVar aggregate classification (germline): Uncertain significance. Review status: criteria provided, multiple submitters, no conflicts (2 of 4 stars). 5 submissions from 5 submitters: Uncertain significance (5). Last evaluated 2026-09-02.

Conditions:
Oligodontia-cancer predisposition syndrome. Also called: TOOTH AGENESIS-COLORECTAL CANCER SYNDROME. Identifiers: Orphanet 300576, MedGen C1837750, MONDO:0012075, OMIM 608615. Disease mechanism: loss of function.
Hereditary cancer-predisposing syndrome. Also called: Hereditary neoplastic syndrome; Hereditary Cancer Syndrome; Neoplastic Syndromes, Hereditary; Tumor predisposition. Identifiers: Orphanet 140162, MedGen C0027672, MeSH D009386, MONDO:0015356.

gnomAD v4.1: 1 of 1,614,212 alleles (0.000062%); highest among the groups gnomAD compares: Non-Finnish European, 0.000085%; no homozygotes.

Submissions (5):

GeneDx
Classification: Uncertain significance. Last evaluated: 2026-09-02. Review status: criteria provided, single submitter. Criteria: GeneDx Variant Classification Process June 2021. Collection method: clinical testing. Allele origin: germline.
Comment: Not observed at significant frequency in large population cohorts (gnomAD); In silico analysis supports that this missense variant has a deleterious effect on protein structure/function; Has not been previously published as pathogenic or benign to our knowledge; This variant is associated with the following publications: (PMID: 12533788, 32686686, 32055024, 15735151)

Women's Health and Genetics/Laboratory Corporation of America, LabCorp
Classification: Uncertain significance. Last evaluated: 2026-05-09. Review status: criteria provided, single submitter. Criteria: LabCorp Variant Classification Summary - May 2015. Collection method: clinical testing. Allele origin: germline.

Labcorp Genetics (formerly Invitae), Labcorp
Classification: Uncertain significance for Oligodontia-cancer predisposition syndrome. Last evaluated: 2025-06-20. Review status: criteria provided, single submitter. Criteria: Invitae Variant Classification Sherloc (09022015). Collection method: clinical testing. Allele origin: germline.
Comment: This sequence change replaces arginine, which is basic and polar, with glycine, which is neutral and non-polar, at codon 399 of the AXIN2 protein (p.Arg399Gly). This variant is not present in population databases (gnomAD no frequency). This variant has not been reported in the literature in individuals affected with AXIN2-related conditions. ClinVar contains an entry for this variant (Variation ID: 569040). Invitae Evidence Modeling of protein sequence and biophysical properties (such as structural, functional, and spatial information, amino acid conservation, physicochemical variation, residue mobility, and thermodynamic stability) indicates that this missense variant is not expected to disrupt AXIN2 protein function with a negative predictive value of 80%. In summary, the available evidence is currently insufficient to determine the role of this variant in disease. Therefore, it has been classified as a Variant of Uncertain Significance.

Ambry Genetics
Classification: Uncertain significance for Hereditary cancer-predisposing syndrome. Last evaluated: 2025-01-14. Review status: criteria provided, single submitter. Criteria: Ambry Variant Classification Scheme 2023. Collection method: clinical testing. Allele origin: germline.
Comment: The p.R399G variant (also known as c.1195C>G), located in coding exon 4 of the AXIN2 gene, results from a C to G substitution at nucleotide position 1195. The arginine at codon 399 is replaced by glycine, an amino acid with dissimilar properties. This amino acid position is conserved. In addition, the in silico prediction for this alteration is inconclusive. Since supporting evidence is limited at this time, the clinical significance of this alteration remains unclear.

Quest Diagnostics Nichols Institute San Juan Capistrano
Classification: Uncertain significance. Last evaluated: 2023-11-10. Review status: criteria provided, single submitter. Criteria: Quest Diagnostics criteria. Collection method: clinical testing. Allele origin: unknown.
Comment: The AXIN2 c.1195C>G (p.Arg399Gly) variant has not been reported in individuals with AXIN2-related conditions in the published literature. It also has not been reported in large, multi-ethnic general populations (Genome Aggregation Database). Analysis of this variant using bioinformatics tools for the prediction of the effect of amino acid changes on protein structure and function yielded predictions that this variant is benign. Based on the available information, we are unable to determine the clinical significance of this variant.

NM_004655.4(AXIN2):c.1195C>G (p.Arg399Gly)

Gene: AXIN2 (axin 2; minus strand). Cytogenetic location: 17q24.1.
Variant type: single nucleotide variant.
Coding change: c.1195C>G on transcript NM_004655.4 (MANE Select); coding-DNA position 1195, C replaced by G.
Protein change: p.Arg399Gly; replaces arginine 399 with glycine.
Molecular consequence: missense variant.
Genome position (GRCh38, 1-based): chr17:65,538,208, G>C on the plus strand (C>G on the coding strand, the complement: AXIN2 is on the minus strand). VCF-style: chr17-65538208-G-C. GRCh37 (hg19) VCF-style: chr17-63534326-G-C.
Other names: c.1195C>G (LRG_296t1); c.1195C>G, p.Arg399Gly (NM_001363813.1); short protein forms R399G.
Identifiers: ClinVar variation 569040 (VCV000569040.15), dbSNP rs1157452251, ClinGen allele CA400678125.